The following is an entry in ClinVar:

ClinVar aggregate classification (germline): Uncertain significance (1 of 4 stars; one submission).

Conditions:
Common variable immunodeficiency (CVID). Also called: Common variable hypogamma-globulinemia; Common variable agammaglobulinemia. Identifiers: Orphanet 1572, MedGen C0009447, MONDO:0015517.

Allele frequency attached by ClinVar (database versions not stated): ExAC 0.00002.
gnomAD v4.1: 1 of 1,610,828 alleles (0.000062%); highest among the groups gnomAD compares: Admixed American, 0.0017%; no homozygotes.

Submission:

Labcorp Genetics (formerly Invitae), Labcorp
Classification: Uncertain significance for Common variable immunodeficiency. Last evaluated: 2024-11-11. Review status: criteria provided, single submitter. Criteria: Invitae Variant Classification Sherloc (09022015). Collection method: clinical testing. Allele origin: germline.
Comment: This sequence change replaces histidine, which is basic and polar, with proline, which is neutral and non-polar, at codon 168 of the TNFSF12 protein (p.His168Pro). The frequency data for this variant in the population databases is considered unreliable, as metrics indicate poor data quality at this position in the gnomAD database. This variant has not been reported in the literature in individuals affected with TNFSF12-related conditions. ClinVar contains an entry for this variant (Variation ID: 2060601). An algorithm developed to predict the effect of missense changes on protein structure and function (PolyPhen-2) suggests that this variant is likely to be disruptive. In summary, the available evidence is currently insufficient to determine the role of this variant in disease. Therefore, it has been classified as a Variant of Uncertain Significance.

NM_003809.3(TNFSF12):c.503A>C (p.His168Pro)

Genes: TNFSF12 (TNF superfamily member 12; plus strand), TNFSF12-TNFSF13 (TNFSF12-TNFSF13 readthrough; plus strand). Cytogenetic location: 17p13.1.
Variant type: single nucleotide variant.
Coding change: c.503A>C on transcript NM_003809.3 (MANE Select); coding-DNA position 503, A replaced by C.
Protein change: p.His168Pro; replaces histidine 168 with proline.
Molecular consequence: missense variant. On other transcripts: non-coding transcript variant (1), intron variant (1).
Genome position (GRCh38, 1-based): chr17:7,557,103, A>C. VCF-style: chr17-7557103-A-C. GRCh37 (hg19) VCF-style: chr17-7460420-A-C.
Other names: c.498+201A>C (NM_172089.4); short protein forms H168P.
Identifiers: ClinVar variation 2060601 (VCV002060601.4), dbSNP rs771252165, ClinGen allele CA8350873.